The following is an entry in ClinVar:

NM_000258.3(MYL3):c.247C>T (p.Leu83=)

Gene: MYL3 (myosin light chain 3; minus strand). Cytogenetic location: 3p21.31.
Variant type: single nucleotide variant.
Coding change: c.247C>T on transcript NM_000258.3 (MANE Select); coding-DNA position 247, C replaced by T.
Protein change: p.Leu83=; no amino-acid change (leucine 83 retained).
Molecular consequence: synonymous variant.
Genome position (GRCh38, 1-based): chr3:46,860,736, G>A on the plus strand (C>T on the coding strand, the complement: MYL3 is on the minus strand). VCF-style: chr3-46860736-G-A. GRCh37 (hg19) VCF-style: chr3-46902226-G-A.
Identifiers: ClinVar variation 628865 (VCV000628865.17), dbSNP rs1246506798, ClinGen allele CA433474556.

ClinVar aggregate classification (germline): Likely benign. Review status: criteria provided, multiple submitters, no conflicts (2 of 4 stars). 7 submissions from 7 submitters: Likely benign (4). 3 of the submissions do not count toward it. Last evaluated 2026-08-16.

Conditions:
Cardiomyopathy (CMYO). Also called: Cardiomyopathies. Identifiers: Orphanet 167848, MedGen C0878544, MONDO:0004994, HP:0001638. Inheritance: Various modes of inheritance.
Hypertrophic cardiomyopathy. Also called: HYPERTROPHIC MYOCARDIOPATHY. Identifiers: Orphanet 217569, MedGen C0007194, MeSH D002312, MONDO:0005045, HP:0001639.
Cardiovascular phenotype. Identifiers: MedGen CN230736.

Allele frequency attached by ClinVar (database versions not stated): gnomAD 0.00001; gnomAD exomes 0.00001; TOPMed 0.00001.

Submissions (7):

Ambry Genetics
Classification: Likely benign for Cardiovascular phenotype. Last evaluated: 2026-08-16. Review status: criteria provided, single submitter. Criteria: Ambry Variant Classification Scheme 2023. Collection method: clinical testing. Allele origin: germline.

All of Us Research Program, National Institutes of Health
Classification: Likely benign for Hypertrophic cardiomyopathy. Last evaluated: 2023-12-01. Review status: criteria provided, single submitter. Criteria: ACMG Guidelines, 2015. Collection method: clinical testing. Allele origin: germline. Inheritance: Autosomal dominant inheritance. Observed: 8 variant alleles, 8 heterozygotes.
Comment: This study involves interpretation of variants in research participants for the purpose of population health screening. Participant phenotype was not available at the time of variant classification. Additional details can be found in publication PMID: 35346344, PMCID: PMC8962531

Labcorp Genetics (formerly Invitae), Labcorp
Classification: Likely benign for Hypertrophic cardiomyopathy. Last evaluated: 2022-07-29. Review status: criteria provided, single submitter. Criteria: Invitae Variant Classification Sherloc (09022015). Collection method: clinical testing. Allele origin: germline.

Color Diagnostics, LLC DBA Color Health
Classification: Likely benign for Cardiomyopathy. Last evaluated: 2018-07-15. Review status: criteria provided, single submitter. Criteria: ACMG Guidelines, 2015. Collection method: clinical testing. Allele origin: germline.

Clinical Genetics DNA and cytogenetics Diagnostics Lab, Erasmus MC, Erasmus Medical Center
Classification: Likely benign. Review status: no assertion criteria provided. Collection method: clinical testing. Allele origin: germline. Affected: yes. Study: VKGL Data-share Consensus. Not counted in ClinVar's aggregate classification.

Clinical Genetics, Academic Medical Center
Classification: Benign. Review status: no assertion criteria provided. Collection method: clinical testing. Allele origin: germline. Affected: yes. Study: VKGL Data-share Consensus. Not counted in ClinVar's aggregate classification.

Joint Genome Diagnostic Labs from Nijmegen and Maastricht, Radboudumc and MUMC+
Classification: Likely benign. Review status: no assertion criteria provided. Collection method: clinical testing. Allele origin: germline. Affected: yes. Study: VKGL Data-share Consensus. Not counted in ClinVar's aggregate classification.